The following is an entry in ClinVar:

ClinVar aggregate classification (germline): Likely pathogenic. Review status: criteria provided, multiple submitters, no conflicts (2 of 4 stars). 2 submissions from 2 submitters: Likely pathogenic (2). Last evaluated 2023-03-09.

Conditions:
Cardiovascular phenotype. Identifiers: MedGen CN230736.
Dilated cardiomyopathy 1X (CMD1X). Also called: FKTN-Related Dilated Cardiomyopathy; CARDIOMYOPATHY, DILATED, WITH MILD OR NO PROXIMAL MUSCLE WEAKNESS. Identifiers: Orphanet 154, MedGen C1969024, MONDO:0012704, OMIM 611615.

Allele frequency attached by ClinVar (database versions not stated): gnomAD exomes below 0.00001; gnomAD 0.00001; TOPMed 0.00001.

Submissions (2):

Baylor Genetics
Classification: Likely pathogenic for Dilated cardiomyopathy 1X. Last evaluated: 2023-03-09. Review status: criteria provided, single submitter. Criteria: ACMG Guidelines, 2015. Collection method: clinical testing. Allele origin: unknown.

Ambry Genetics
Classification: Likely pathogenic for Cardiovascular phenotype. Last evaluated: 2021-09-21. Review status: criteria provided, single submitter. Criteria: Ambry Variant Classification Scheme 2023. Collection method: clinical testing. Allele origin: germline.
Comment: The c.1175dupA variant, located in coding exon 9 of the FKTN gene, results from a duplication of A at nucleotide position 1175, causing a translational frameshift with a predicted alternate stop codon (p.Y392*). This alteration occurs at the 3' terminus of theFKTN gene, is not expected to trigger nonsense-mediated mRNA decay, and impacts the last 14.9% of the protein. However, premature stop codons are typically deleterious in nature and the impacted region is critical for protein function (Ambry internal data). This alteration has been reported in an individual with Walker-Warburg syndrome, who was identified to have an additional alteration in FKTN (Manzini MC et al. Hum Mutat, 2008 Nov;29:E231-41). This variant is considered to be rare based on population cohorts in the Genome Aggregation Database (gnomAD). Based on the majority of available evidence to date, this variant is likely to be pathogenic.

Literature cited by the submitters: PubMed 18752264 (cited by Ambry Genetics).

NM_001079802.2(FKTN):c.1175dup (p.Tyr392Ter)

Gene: FKTN (fukutin; plus strand). Cytogenetic location: 9q31.2.
Variant type: Duplication.
Coding change: c.1175dup on transcript NM_001079802.2 (MANE Select); coding-DNA position 1175, one base duplicated (A; older notation c.1175dupA).
Protein change: p.Tyr392Ter; replaces tyrosine 392 with a stop codon.
Molecular consequence: nonsense. On other transcripts: frameshift variant (2), non-coding transcript variant (2).
Genome position (GRCh38, 1-based): chr9:105,635,053, A duplicated. VCF-style (leftmost placement, unchanged base first): chr9-105635052-T-TA. GRCh37 (hg19) VCF-style: chr9-108397333-T-TA.
Other names: c.1175dup, p.Tyr392Ter (NM_001198963.2, NM_001351496.2, NM_006731.2); c.1106dup, p.Tyr369Ter (NM_001351497.2); c.1206dup, p.Pro403fs (NM_001351498.2); c.779dup, p.Tyr260Ter (NM_001351499.2, NM_001351500.2, NM_001351501.2 and 1 more transcripts); c.1175dupA (NM_001079802.1); short protein forms P403fs, Y392*, Y369*, Y260*.
Identifiers: ClinVar variation 1740534 (VCV001740534.3), dbSNP rs1383324318, ClinGen allele CA590046790.